The following is an entry in ClinVar:

NM_000153.4(GALC):c.118G>A (p.Gly40Ser)

Gene: GALC (galactosylceramidase; minus strand). Cytogenetic location: 14q31.3.
Variant type: single nucleotide variant.
Coding change: c.118G>A on transcript NM_000153.4 (MANE Select); coding-DNA position 118, G replaced by A.
Protein change: p.Gly40Ser; replaces glycine 40 with serine.
Molecular consequence: missense variant. On other transcripts: intron variant (1).
Genome position (GRCh38, 1-based): chr14:87,993,047, C>T on the plus strand (G>A on the coding strand, the complement: GALC is on the minus strand). VCF-style: chr14-87993047-C-T. GRCh37 (hg19) VCF-style: chr14-88459391-C-T.
Other names: p.Gly40Ser; c.118G>A, p.Gly40Ser (NM_001201401.2); c.117+336G>A (NM_001201402.2); short protein forms G40S.
Identifiers: ClinVar variation 1693627 (VCV001693627.12), dbSNP rs780050514, ClinGen allele CA7297502.

ClinVar aggregate classification (germline): Uncertain significance. Review status: criteria provided, multiple submitters, no conflicts (2 of 4 stars). 2 submissions from 2 submitters: Uncertain significance (2). Last evaluated 2024-12-02.

Conditions:
Galactosylceramide beta-galactosidase deficiency. Also called: Krabbe Disease; Leukodystrophy, Globoid Cell; GALACTOCEREBROSIDASE DEFICIENCY; GALC DEFICIENCY; GLOBOID CELL LEUKOENCEPHALOPATHY. Identifiers: Orphanet 487, MedGen C0023521, MONDO:0009499, OMIM 245200.

Allele frequency attached by ClinVar (database versions not stated): TOPMed below 0.00001; gnomAD 0.00001; ExAC 0.00005; gnomAD exomes 0.00005.
gnomAD v4.1: 14 of 1,557,440 alleles (0.0009%); highest among the groups gnomAD compares: Admixed American, 0.0094%; no homozygotes.

Submissions (2):

Labcorp Genetics (formerly Invitae), Labcorp
Classification: Uncertain significance for Galactosylceramide beta-galactosidase deficiency. Last evaluated: 2024-12-02. Review status: criteria provided, single submitter. Criteria: Invitae Variant Classification Sherloc (09022015). Collection method: clinical testing. Allele origin: germline.
Comment: This sequence change replaces glycine, which is neutral and non-polar, with serine, which is neutral and polar, at codon 40 of the GALC protein (p.Gly40Ser). The frequency data for this variant in the population databases is considered unreliable, as metrics indicate poor data quality at this position in the gnomAD database. This variant has not been reported in the literature in individuals affected with GALC-related conditions. ClinVar contains an entry for this variant (Variation ID: 1693627). Invitae Evidence Modeling of protein sequence and biophysical properties (such as structural, functional, and spatial information, amino acid conservation, physicochemical variation, residue mobility, and thermodynamic stability) indicates that this missense variant is not expected to disrupt GALC protein function with a negative predictive value of 95%. In summary, the available evidence is currently insufficient to determine the role of this variant in disease. Therefore, it has been classified as a Variant of Uncertain Significance.

Mayo Clinic Laboratories, Mayo Clinic
Classification: Uncertain significance. Last evaluated: 2021-06-11. Review status: criteria provided, single submitter. Criteria: ACMG Guidelines, 2015. Collection method: clinical testing. Allele origin: germline.